The following is an entry in ClinVar:

NM_003848.4(SUCLG2):c.828G>A (p.Met276Ile)

Gene: SUCLG2 (succinate-CoA ligase GDP-forming subunit beta; minus strand). Cytogenetic location: 3p14.1.
Variant type: single nucleotide variant.
Coding change: c.828G>A on transcript NM_003848.4 (MANE Select); coding-DNA position 828, G replaced by A.
Protein change: p.Met276Ile; replaces methionine 276 with isoleucine.
Molecular consequence: missense variant.
Genome position (GRCh38, 1-based): chr3:67,498,225, C>T on the plus strand (G>A on the coding strand, the complement: SUCLG2 is on the minus strand). VCF-style: chr3-67498225-C-T. GRCh37 (hg19) VCF-style: chr3-67548649-C-T.
Other names: c.828G>A, p.Met276Ile (NM_001177599.2); short protein forms M276I.
Identifiers: ClinVar variation 3695074 (VCV003695074.2).

ClinVar aggregate classification (germline): Uncertain significance (1 of 4 stars; one submission).

Submission:

Labcorp Genetics (formerly Invitae), Labcorp
Classification: Uncertain significance. Last evaluated: 2024-12-02. Review status: criteria provided, single submitter. Criteria: Invitae Variant Classification Sherloc (09022015). Collection method: clinical testing. Allele origin: germline.
Comment: This sequence change replaces methionine, which is neutral and non-polar, with isoleucine, which is neutral and non-polar, at codon 276 of the SUCLG2 protein (p.Met276Ile). This variant is not present in population databases (gnomAD no frequency). This variant has not been reported in the literature in individuals affected with SUCLG2-related conditions. An algorithm developed to predict the effect of missense changes on protein structure and function (PolyPhen-2) suggests that this variant is likely to be tolerated. In summary, the available evidence is currently insufficient to determine the role of this variant in disease. Therefore, it has been classified as a Variant of Uncertain Significance.